The following is an entry in ClinVar:

NM_004821.3(HAND1):c.117G>C (p.Arg39Ser)

Gene: HAND1 (heart and neural crest derivatives expressed 1; minus strand). Cytogenetic location: 5q33.2.
Variant type: single nucleotide variant.
Coding change: c.117G>C on transcript NM_004821.3 (MANE Select); coding-DNA position 117, G replaced by C.
Protein change: p.Arg39Ser; replaces arginine 39 with serine.
Molecular consequence: missense variant.
Genome position (GRCh38, 1-based): chr5:154,477,892, C>G on the plus strand (G>C on the coding strand, the complement: HAND1 is on the minus strand). VCF-style: chr5-154477892-C-G. GRCh37 (hg19) VCF-style: chr5-153857452-C-G.
Other names: short protein forms R39S.
Identifiers: ClinVar variation 1379353 (VCV001379353.8), dbSNP rs2113303993, ClinGen allele CA361923573.

ClinVar aggregate classification (germline): Uncertain significance (1 of 4 stars; one submission).

Conditions:
Hypoplastic left heart syndrome. Also called: Hypoplastic left ventricle; Hypoplastic left heart. Identifiers: Orphanet 2248, MedGen C0152101, MONDO:0004933, HP:0004383.

gnomAD v4.1: 2 of 1,600,496 alleles (0.00012%); highest among the groups gnomAD compares: Non-Finnish European, 0.00017%; no homozygotes.

Submission:

Labcorp Genetics (formerly Invitae), Labcorp
Classification: Uncertain significance for Hypoplastic left heart syndrome. Last evaluated: 2024-04-15. Review status: criteria provided, single submitter. Criteria: Invitae Variant Classification Sherloc (09022015). Collection method: clinical testing. Allele origin: germline.
Comment: This sequence change replaces arginine, which is basic and polar, with serine, which is neutral and polar, at codon 39 of the HAND1 protein (p.Arg39Ser). This variant is not present in population databases (gnomAD no frequency). This variant has not been reported in the literature in individuals affected with HAND1-related conditions. ClinVar contains an entry for this variant (Variation ID: 1379353). An algorithm developed to predict the effect of missense changes on protein structure and function (PolyPhen-2) suggests that this variant is likely to be tolerated. In summary, the available evidence is currently insufficient to determine the role of this variant in disease. Therefore, it has been classified as a Variant of Uncertain Significance.